The following is an entry in ClinVar:

ClinVar aggregate classification (germline): Uncertain significance (1 of 4 stars; one submission).

Submission:

Ambry Genetics
Classification: Uncertain significance. Last evaluated: 2024-11-16. Review status: criteria provided, single submitter. Criteria: Ambry Variant Classification Scheme 2023. Collection method: clinical testing. Allele origin: germline.
Comment: The p.I1301T variant (also known as c.3902T>C), located in coding exon 32 of the PRKDC gene, results from a T to C substitution at nucleotide position 3902. The isoleucine at codon 1301 is replaced by threonine, an amino acid with similar properties. This amino acid position is conserved. Based on the available evidence, the clinical significance of this variant remains unclear.

NM_006904.7(PRKDC):c.3902T>C (p.Ile1301Thr)

Gene: PRKDC (protein kinase, DNA-activated, catalytic subunit; minus strand). Cytogenetic location: 8q11.21.
Variant type: single nucleotide variant.
Coding change: c.3902T>C on transcript NM_006904.7 (MANE Select); coding-DNA position 3902, T replaced by C.
Protein change: p.Ile1301Thr; replaces isoleucine 1301 with threonine.
Molecular consequence: missense variant.
Genome position (GRCh38, 1-based): chr8:47,890,426, A>G on the plus strand (T>C on the coding strand, the complement: PRKDC is on the minus strand). VCF-style: chr8-47890426-A-G. GRCh37 (hg19) VCF-style: chr8-48802987-A-G.
Other names: c.3902T>C, p.Ile1301Thr (NM_001081640.2); short protein forms I1301T.
Identifiers: ClinVar variation 3425200 (VCV003425200.1).